The following is an entry in ClinVar:

ClinVar aggregate classification (germline): Uncertain significance (1 of 4 stars; one submission).

Allele frequency attached by ClinVar (database versions not stated): gnomAD 0.00001; gnomAD exomes 0.00001.

Submission:

Labcorp Genetics (formerly Invitae), Labcorp
Classification: Uncertain significance. Last evaluated: 2025-03-17. Review status: criteria provided, single submitter. Criteria: Invitae Variant Classification Sherloc (09022015). Collection method: clinical testing. Allele origin: germline.
Comment: This sequence change falls in intron 8 of the CACNA1F gene. It does not directly change the encoded amino acid sequence of the CACNA1F protein. It affects a nucleotide within the consensus splice site. The frequency data for this variant in the population databases is considered unreliable, as metrics indicate poor data quality at this position in the gnomAD database. This variant has not been reported in the literature in individuals affected with CACNA1F-related conditions. ClinVar contains an entry for this variant (Variation ID: 1047319). Variants that disrupt the consensus splice site are a relatively common cause of aberrant splicing (PMID: 17576681, 9536098). Algorithms developed to predict the effect of sequence changes on RNA splicing suggest that this variant is not likely to affect RNA splicing. In summary, the available evidence is currently insufficient to determine the role of this variant in disease. Therefore, it has been classified as a Variant of Uncertain Significance.

Literature cited by the submitters: PubMed 17576681; PubMed 9536098.

NM_001256789.3(CACNA1F):c.1118+3G>A

Gene: CACNA1F (calcium voltage-gated channel subunit alpha1 F; minus strand). Cytogenetic location: Xp11.23.
Variant type: single nucleotide variant.
Coding change: c.1118+3G>A on transcript NM_001256789.3 (MANE Select); 3 bases into the intron after coding-DNA position 1118, G replaced by A.
Molecular consequence: intron variant.
Genome position (GRCh38, 1-based): chrX:49,228,033, C>T on the plus strand (G>A on the coding strand, the complement: CACNA1F is on the minus strand). VCF-style: chrX-49228033-C-T. GRCh37 (hg19) VCF-style: chrX-49084495-C-T.
Other names: c.1118+3G>A (NM_005183.4); c.923+3G>A (NM_001256790.3).
Identifiers: ClinVar variation 1047319 (VCV001047319.6), dbSNP rs1557110403, ClinGen allele CA641527160.